The following is an entry in ClinVar:

NM_000628.5(IL10RB):c.612G>T (p.Trp204Cys)

Genes: IFNAR2-IL10RB (IFNAR2-IL10RB readthrough; plus strand), IL10RB (interleukin 10 receptor subunit beta; plus strand). Cytogenetic location: 21q22.11.
Variant type: single nucleotide variant.
Coding change: c.612G>T on transcript NM_000628.5 (MANE Select); coding-DNA position 612, G replaced by T.
Protein change: p.Trp204Cys; replaces tryptophan 204 with cysteine.
Molecular consequence: missense variant. On other transcripts: non-coding transcript variant (1).
Genome position (GRCh38, 1-based): chr21:33,283,207, G>T. VCF-style: chr21-33283207-G-T. GRCh37 (hg19) VCF-style: chr21-34655512-G-T.
Other names: c.1272G>T, p.Trp424Cys (NM_001414505.1); c.612G>T, p.Trp204Cys (NM_001405849.1, NM_001405850.1, NM_001406840.1); short protein forms W424C, W204C.
Identifiers: ClinVar variation 2054401 (VCV002054401.4), dbSNP rs770196094, ClinGen allele CA410110376.
Genomic context (GRCh38, chr21:33,283,207, plus strand): 5'-GACAACTTATTGTGTTCAAGTTCGAGGGTTTCTTCCTGATCGGAACAAAGCTGGGGAATG[G>T]AGTGAGCCTGTCTGTGAGCAAACAACCCATGACGGTAAGCCCTGAGATGCACCTCCGCTA-3'
Protein context (NP_000619.3, residues 194-214): FLPDRNKAGE[Trp204Cys]SEPVCEQTTH

ClinVar aggregate classification (germline): Uncertain significance (1 of 4 stars; one submission).

Conditions:
Inflammatory bowel disease 25. Also called: Inflammatory bowel disease 25, early onset, autosomal recessive. Identifiers: Orphanet 238569, MedGen C2675508, MONDO:0012941, OMIM 612567.

Submission:

Labcorp Genetics (formerly Invitae), Labcorp
Classification: Uncertain significance for Inflammatory bowel disease 25. Last evaluated: 2021-12-23. Review status: criteria provided, single submitter. Criteria: Invitae Variant Classification Sherloc (09022015). Collection method: clinical testing. Allele origin: germline.
Comment: In summary, the available evidence is currently insufficient to determine the role of this variant in disease. Therefore, it has been classified as a Variant of Uncertain Significance. Experimental studies have shown that this missense change affects IL10RB function (PMID: 24216686). Algorithms developed to predict the effect of missense changes on protein structure and function (SIFT, PolyPhen-2, Align-GVGD) all suggest that this variant is likely to be disruptive. This missense change has been observed in individual(s) with inflammatory bowel disease (PMID: 24089328, 24216686, 31931724). This variant is not present in population databases (gnomAD no frequency). This sequence change replaces tryptophan, which is neutral and slightly polar, with cysteine, which is neutral and slightly polar, at codon 204 of the IL10RB protein (p.Trp204Cys).

Literature cited by the submitters: PubMed 24216686; PubMed 24089328; PubMed 31931724.